The following is an entry in ClinVar:

NM_177438.3(DICER1):c.5308G>A (p.Asp1770Asn)

Gene: DICER1 (dicer 1, ribonuclease III; minus strand). Cytogenetic location: 14q32.13.
Variant type: single nucleotide variant.
Coding change: c.5308G>A on transcript NM_177438.3 (MANE Select); coding-DNA position 5308, G replaced by A.
Protein change: p.Asp1770Asn; replaces aspartic acid 1770 with asparagine.
Molecular consequence: missense variant.
Genome position (GRCh38, 1-based): chr14:95,093,944, C>T on the plus strand (G>A on the coding strand, the complement: DICER1 is on the minus strand). VCF-style: chr14-95093944-C-T. GRCh37 (hg19) VCF-style: chr14-95560281-C-T.
Other names: c.5308G>A, p.Asp1770Asn (NM_001195573.1, NM_001271282.3, NM_001291628.2 and 1 more transcripts); short protein forms D1770N.
Identifiers: ClinVar variation 825629 (VCV000825629.6), dbSNP rs1595329576, ClinGen allele CA390864986.

ClinVar aggregate classification (germline): Uncertain significance. Review status: criteria provided, multiple submitters, no conflicts (2 of 4 stars). 2 submissions from 2 submitters: Uncertain significance (2). Last evaluated 2024-04-15.

Conditions:
DICER1-related tumor predisposition. Also called: DICER1-related pleuropulmonary blastoma cancer predisposition syndrome; DICER1 syndrome. Identifiers: Orphanet 284343, MedGen C3839822, MONDO:0100216.
Hereditary cancer-predisposing syndrome. Also called: Neoplastic Syndromes, Hereditary; Hereditary Cancer Syndrome; Hereditary neoplastic syndrome; Tumor predisposition. Identifiers: Orphanet 140162, MedGen C0027672, MeSH D009386, MONDO:0015356.

Submissions (2):

Labcorp Genetics (formerly Invitae), Labcorp
Classification: Uncertain significance for DICER1-related tumor predisposition. Last evaluated: 2024-04-15. Review status: criteria provided, single submitter. Criteria: Invitae Variant Classification Sherloc (09022015). Collection method: clinical testing. Allele origin: germline.
Comment: This sequence change replaces aspartic acid, which is acidic and polar, with asparagine, which is neutral and polar, at codon 1770 of the DICER1 protein (p.Asp1770Asn). This variant is not present in population databases (gnomAD no frequency). This variant has not been reported in the literature in individuals affected with DICER1-related conditions. ClinVar contains an entry for this variant (Variation ID: 825629). Advanced modeling of protein sequence and biophysical properties (such as structural, functional, and spatial information, amino acid conservation, physicochemical variation, residue mobility, and thermodynamic stability) performed at Invitae indicates that this missense variant is not expected to disrupt DICER1 protein function with a negative predictive value of 80%. In summary, the available evidence is currently insufficient to determine the role of this variant in disease. Therefore, it has been classified as a Variant of Uncertain Significance.

Ambry Genetics
Classification: Uncertain significance for Hereditary cancer-predisposing syndrome. Last evaluated: 2018-11-27. Review status: criteria provided, single submitter. Criteria: Ambry Variant Classification Scheme 2023. Collection method: clinical testing. Allele origin: germline.
Comment: The p.D1770N variant (also known as c.5308G>A), located in coding exon 23 of the DICER1 gene, results from a G to A substitution at nucleotide position 5308. The aspartic acid at codon 1770 is replaced by asparagine, an amino acid with highly similar properties. This amino acid position is highly conserved in available vertebrate species. In addition, this alteration is predicted to be tolerated by in silico analysis. Since supporting evidence is limited at this time, the clinical significance of this alteration remains unclear.